The following is an entry in ClinVar:

ClinVar aggregate classification (germline): Benign/Likely benign. Review status: criteria provided, multiple submitters, no conflicts (2 of 4 stars). 5 submissions from 5 submitters: Benign (1); Likely benign (4). Last evaluated 2026-01-04.

Conditions:
Classic or attenuated familial adenomatous polyposis. Identifiers: MedGen CN372698, MONDO:0021057.
Hereditary cancer-predisposing syndrome. Also called: Neoplastic Syndromes, Hereditary; Hereditary Cancer Syndrome; Tumor predisposition; Hereditary neoplastic syndrome. Identifiers: Orphanet 140162, MedGen C0027672, MeSH D009386, MONDO:0015356.
Familial adenomatous polyposis 1 (FAP1). Also called: FAMILIAL ADENOMATOUS POLYPOSIS 1, ATTENUATED; POLYPOSIS, ADENOMATOUS INTESTINAL. Identifiers: MedGen C2713442, MONDO:0021056, OMIM 175100. Disease mechanism: loss of function.

Allele frequency attached by ClinVar (database versions not stated): gnomAD exomes below 0.00001; TOPMed below 0.00001; gnomAD 0.00001; ESP Exome Variant Server 0.00008.
gnomAD v4.1: 3 of 1,613,970 alleles (0.00019%); highest among the groups gnomAD compares: Non-Finnish European, 0.00017%; no homozygotes.

Submissions (5):

Labcorp Genetics (formerly Invitae), Labcorp
Classification: Likely benign for Familial adenomatous polyposis 1. Last evaluated: 2026-01-04. Review status: criteria provided, single submitter. Criteria: Invitae Variant Classification Sherloc (09022015). Collection method: clinical testing. Allele origin: germline.

Myriad Genetics, Inc.
Classification: Benign for Familial adenomatous polyposis 1. Last evaluated: 2024-03-08. Review status: criteria provided, single submitter. Criteria: Myriad Autosomal Dominant, Autosomal Recessive and X-Linked Classification Criteria (2023). Collection method: clinical testing. Allele origin: unknown.
Comment: This variant is considered benign. This variant is a silent/synonymous amino acid change and it is not expected to impact splicing.

All of Us Research Program, National Institutes of Health
Classification: Likely benign for Classic or attenuated familial adenomatous polyposis. Last evaluated: 2023-08-15. Review status: criteria provided, single submitter. Criteria: ACMG Guidelines, 2015. Collection method: clinical testing. Allele origin: germline. Inheritance: Autosomal dominant inheritance. Observed: 2 variant alleles, 2 heterozygotes.
Comment: This study involves interpretation of variants in research participants for the purpose of population health screening. Participant phenotype was not available at the time of variant classification. Additional details can be found in publication PMID: 35346344, PMCID: PMC8962531

Color Diagnostics, LLC DBA Color Health
Classification: Likely benign for Hereditary cancer-predisposing syndrome. Last evaluated: 2023-01-13. Review status: criteria provided, single submitter. Criteria: ACMG Guidelines, 2015. Collection method: clinical testing. Allele origin: germline.

Ambry Genetics
Classification: Likely benign for Hereditary cancer-predisposing syndrome. Last evaluated: 2021-08-12. Review status: criteria provided, single submitter. Criteria: Ambry Variant Classification Scheme 2023. Collection method: clinical testing. Allele origin: germline.

NM_000038.6(APC):c.2187C>T (p.Leu729=)

Gene: APC (APC regulator of Wnt signaling pathway; plus strand). Cytogenetic location: 5q22.2.
Variant type: single nucleotide variant.
Coding change: c.2187C>T on transcript NM_000038.6 (MANE Select); coding-DNA position 2187, C replaced by T.
Protein change: p.Leu729=; no amino-acid change (leucine 729 retained).
Molecular consequence: synonymous variant.
Genome position (GRCh38, 1-based): chr5:112,837,781, C>T. VCF-style: chr5-112837781-C-T. GRCh37 (hg19) VCF-style: chr5-112173478-C-T.
Other names: c.2112C>T, p.Leu704= (NM_001354898.2); c.2103C>T, p.Leu701= (NM_001354899.2); c.2187C>T, p.Leu729= (NM_001127510.3, NM_001354895.2); c.2133C>T, p.Leu711= (NM_001127511.3); c.2241C>T, p.Leu747= (NM_001354896.2); c.2217C>T, p.Leu739= (NM_001354897.2); c.2064C>T, p.Leu688= (NM_001354900.2); c.2010C>T, p.Leu670= (NM_001354901.2); and 5 more.
Identifiers: ClinVar variation 706281 (VCV000706281.16), dbSNP rs376015279, ClinGen allele CA125167590.